The following is an entry in ClinVar:

ClinVar aggregate classification (germline): Likely pathogenic (1 of 4 stars; one submission).

Conditions:
Congenital heart defects, dysmorphic facial features, and intellectual developmental disorder (CHDFIDD). Identifiers: Orphanet 646278, MedGen C4479246, MONDO:0044302, OMIM 617360.

Submission:

MVZ Medizinische Genetik Mainz
Classification: Likely pathogenic for Congenital heart defects, dysmorphic facial features, and intellectual developmental disorder. Last evaluated: 2023-11-08. Review status: criteria provided, single submitter. Criteria: UK Practice Guidelines For Variant Classification V4 01 2020. Collection method: clinical testing. Allele origin: germline. Inheritance: Autosomal dominant inheritance. Affected: yes. Observed: 1 variant allele.
Comment: ACMG Criteria: PVS1,PM2_SUP

NM_003718.5(CDK13):c.2091G>A (p.Trp697Ter)

Gene: CDK13 (cyclin dependent kinase 13; plus strand). Cytogenetic location: 7p14.1.
Variant type: single nucleotide variant.
Coding change: c.2091G>A on transcript NM_003718.5 (MANE Select); coding-DNA position 2091, G replaced by A.
Protein change: p.Trp697Ter; replaces tryptophan 697 with a stop codon.
Molecular consequence: nonsense.
Genome position (GRCh38, 1-based): chr7:39,999,409, G>A. VCF-style: chr7-39999409-G-A. GRCh37 (hg19) VCF-style: chr7-40039008-G-A.
Other names: c.2091G>A, p.Trp697Ter (NM_031267.4); short protein forms W697*.
Identifiers: ClinVar variation 3236078 (VCV003236078.1), dbSNP rs2483776146, ClinGen allele CA367288099.